The following is an entry in ClinVar:

NM_004656.4(BAP1):c.934G>A (p.Gly312Ser)

Gene: BAP1 (BRCA1 associated deubiquitinase 1; minus strand). Cytogenetic location: 3p21.1.
Variant type: single nucleotide variant.
Coding change: c.934G>A on transcript NM_004656.4 (MANE Select); coding-DNA position 934, G replaced by A.
Protein change: p.Gly312Ser; replaces glycine 312 with serine.
Molecular consequence: missense variant.
Genome position (GRCh38, 1-based): chr3:52,405,292, C>T on the plus strand (G>A on the coding strand, the complement: BAP1 is on the minus strand). VCF-style: chr3-52405292-C-T. GRCh37 (hg19) VCF-style: chr3-52439308-C-T.
Other names: c.934G>A (NM_004656.2, NM_004656.3); short protein forms G312S.
Identifiers: ClinVar variation 1492695 (VCV001492695.11), dbSNP rs1705114996, ClinGen allele CA353106382.

ClinVar aggregate classification (germline): Uncertain significance. Review status: criteria provided, multiple submitters, no conflicts (2 of 4 stars). 3 submissions from 3 submitters: Uncertain significance (3). Last evaluated 2025-11-24.

Conditions:
BAP1-related tumor predisposition syndrome (TPDS1). Also called: Tumor susceptibility linked to germline BAP1 mutations; COMMON Syndrome; TUMOR PREDISPOSITION SYNDROME 1; BAP1 tumor predisposition syndrome. Identifiers: Orphanet 289539, MedGen C3280492, MONDO:0013692, OMIM 614327.
Hereditary cancer-predisposing syndrome. Also called: Tumor predisposition; Hereditary neoplastic syndrome; Neoplastic Syndromes, Hereditary; Hereditary Cancer Syndrome. Identifiers: Orphanet 140162, MedGen C0027672, MeSH D009386, MONDO:0015356.

Submissions (3):

Labcorp Genetics (formerly Invitae), Labcorp
Classification: Uncertain significance for BAP1-related tumor predisposition syndrome. Last evaluated: 2025-11-24. Review status: criteria provided, single submitter. Criteria: Invitae Variant Classification Sherloc (09022015). Collection method: clinical testing. Allele origin: germline.
Comment: This sequence change replaces glycine, which is neutral and non-polar, with serine, which is neutral and polar, at codon 312 of the BAP1 protein (p.Gly312Ser). This variant is not present in population databases (gnomAD no frequency). This variant has not been reported in the literature in individuals affected with BAP1-related conditions. ClinVar contains an entry for this variant (Variation ID: 1492695). An algorithm developed to predict the effect of missense changes on protein structure and function (PolyPhen-2) suggests that this variant is likely to be tolerated. In summary, the available evidence is currently insufficient to determine the role of this variant in disease. Therefore, it has been classified as a Variant of Uncertain Significance.

Ambry Genetics
Classification: Uncertain significance for Hereditary cancer-predisposing syndrome. Last evaluated: 2023-06-26. Review status: criteria provided, single submitter. Criteria: Ambry Variant Classification Scheme 2023. Collection method: clinical testing. Allele origin: germline.
Comment: The p.G312S variant (also known as c.934G>A), located in coding exon 11 of the BAP1 gene, results from a G to A substitution at nucleotide position 934. The glycine at codon 312 is replaced by serine, an amino acid with similar properties. This amino acid position is conserved. In addition, this alteration is predicted to be tolerated by in silico analysis. Since supporting evidence is limited at this time, the clinical significance of this alteration remains unclear.

Quest Diagnostics Nichols Institute San Juan Capistrano
Classification: Uncertain significance. Last evaluated: 2022-09-30. Review status: criteria provided, single submitter. Criteria: Quest Diagnostics criteria. Collection method: clinical testing. Allele origin: unknown.
Comment: The variant has not been reported in individuals with BAP1-related conditions in the published literature. It also has not been reported in large, multi-ethnic general populations. Analysis of this variant using bioinformatics tools for the prediction of the effect of amino acid changes on protein structure and function yielded predictions that this variant is benign. Based on the available information, we are unable to determine the clinical significance of this variant.